The following is an entry in ClinVar:

ClinVar aggregate classification (germline): Likely pathogenic (1 of 4 stars; one submission).

Conditions:
Propionic acidemia (PROP). Also called: GLYCINEMIA, KETOTIC; HYPERGLYCINEMIA WITH KETOACIDOSIS AND LEUKOPENIA; KETOTIC HYPERGLYCINEMIA. Identifiers: Orphanet 35, MedGen C0268579, MONDO:0011628, OMIM 606054, HP:0003571.

Submission:

Myriad Genetics, Inc.
Classification: Likely pathogenic for Propionic acidemia. Last evaluated: 2022-02-27. Review status: criteria provided, single submitter. Criteria: Myriad Women's Health Autosomal Recessive and X-Linked Classification Criteria (2021). Collection method: clinical testing. Allele origin: unknown.
Comment: NM_000282.3(PCCA):c.493G>T(G165*) is expected to be pathogenic in the context of PCCA-related propionic acidemia. This variant is predicted to lead to an abnormal or absent protein product due to the creation of a premature termination codon in PCCA, a gene where loss-of-function variants are known to be pathogenic. Please note: this variant was assessed in the context of healthy population screening.

NM_000282.4(PCCA):c.493G>T (p.Gly165Ter)

Gene: PCCA (propionyl-CoA carboxylase subunit alpha; plus strand). Cytogenetic location: 13q32.3.
Variant type: single nucleotide variant.
Coding change: c.493G>T on transcript NM_000282.4 (MANE Select); coding-DNA position 493, G replaced by T.
Protein change: p.Gly165Ter; replaces glycine 165 with a stop codon.
Molecular consequence: nonsense. On other transcripts: 5 prime UTR variant (3), non-coding transcript variant (5).
Genome position (GRCh38, 1-based): chr13:100,209,356, G>T. VCF-style: chr13-100209356-G-T. GRCh37 (hg19) VCF-style: chr13-100861610-G-T.
Other names: c.415G>T, p.Gly139Ter (NM_001127692.3, NM_001352607.2, NM_001352608.2); c.493G>T, p.Gly165Ter (NM_001178004.2, NM_001352605.2, NM_001352606.2 and 1 more transcripts); c.-374G>T (NM_001352610.2, NM_001352611.2, NM_001352612.2); short protein forms G139*, G165*.
Identifiers: ClinVar variation 1724797 (VCV001724797.2), dbSNP rs2547726543, ClinGen allele CA388693302.